The following is an entry in ClinVar:

NM_001103.4(ACTN2):c.58A>G (p.Met20Val)

Gene: ACTN2 (actinin alpha 2; plus strand). Cytogenetic location: 1q43.
Variant type: single nucleotide variant.
Coding change: c.58A>G on transcript NM_001103.4 (MANE Select); coding-DNA position 58, A replaced by G.
Protein change: p.Met20Val; replaces methionine 20 with valine.
Molecular consequence: missense variant. On other transcripts: 5 prime UTR variant (1).
Genome position (GRCh38, 1-based): chr1:236,686,731, A>G. VCF-style: chr1-236686731-A-G. GRCh37 (hg19) VCF-style: chr1-236850031-A-G.
Other names: c.58A>G, p.Met20Val (NM_001278343.2); c.-764A>G (NM_001278344.2); c.-889A>G (NM_001412150.1); short protein forms M20V.
Identifiers: ClinVar variation 1750372 (VCV001750372.4), dbSNP rs1203291298, ClinGen allele CA345358241.

ClinVar aggregate classification (germline): Uncertain significance. Review status: criteria provided, multiple submitters, no conflicts (2 of 4 stars). 3 submissions from 3 submitters: Uncertain significance (3). Last evaluated 2025-09-12.

Conditions:
Dilated cardiomyopathy 1AA (CMD1AA). Also called: Cardiomyopathy, dilated, 1AA, with or without LVNC; CARDIOMYOPATHY, DILATED, 1AA, WITH OR WITHOUT LEFT VENTRICULAR NONCOMPACTION; CARDIOMYOPATHY, FAMILIAL HYPERTROPHIC, 23, WITH OR WITHOUT LEFT VENTRICULAR NONCOMPACTION. Identifiers: Orphanet 154, MedGen C2677338, MONDO:0012808, OMIM 612158.
Primary familial hypertrophic cardiomyopathy (HCM). Identifiers: Orphanet 99739, MedGen C0949658, MeSH D024741, MONDO:0024573. Inheritance: Various modes of inheritance.
Cardiovascular phenotype. Identifiers: MedGen CN230736.

Allele frequency attached by ClinVar (database versions not stated): gnomAD 0.00001; gnomAD exomes 0.00001; TOPMed 0.00003.
gnomAD v4.1: 11 of 1,562,496 alleles (0.0007%); highest among the groups gnomAD compares: South Asian, 0.0012%; no homozygotes.

Submissions (3):

Labcorp Genetics (formerly Invitae), Labcorp
Classification: Uncertain significance for Primary familial hypertrophic cardiomyopathy; Dilated cardiomyopathy 1AA. Last evaluated: 2025-09-12. Review status: criteria provided, single submitter. Criteria: Invitae Variant Classification Sherloc (09022015). Collection method: clinical testing. Allele origin: germline.
Comment: This sequence change replaces methionine, which is neutral and non-polar, with valine, which is neutral and non-polar, at codon 20 of the ACTN2 protein (p.Met20Val). This variant is not present in population databases (gnomAD no frequency). This missense change has been observed in individual(s) with hypertrophic cardiomyopathy (PMID: 27532257). ClinVar contains an entry for this variant (Variation ID: 1750372). Invitae Evidence Modeling of protein sequence and biophysical properties (such as structural, functional, and spatial information, amino acid conservation, physicochemical variation, residue mobility, and thermodynamic stability) indicates that this missense variant is not expected to disrupt ACTN2 protein function with a negative predictive value of 95%. In summary, the available evidence is currently insufficient to determine the role of this variant in disease. Therefore, it has been classified as a Variant of Uncertain Significance.

Blueprint Genetics
Classification: Uncertain significance. Last evaluated: 2020-10-05. Review status: criteria provided, single submitter. Criteria: ACMG Guidelines, 2015. Collection method: clinical testing. Allele origin: germline.

Ambry Genetics
Classification: Uncertain significance for Cardiovascular phenotype. Last evaluated: 2019-12-19. Review status: criteria provided, single submitter. Criteria: Ambry Variant Classification Scheme 2023. Collection method: clinical testing. Allele origin: germline.
Comment: The p.M20V variant (also known as c.58A>G), located in coding exon 1 of the ACTN2 gene, results from an A to G substitution at nucleotide position 58. The methionine at codon 20 is replaced by valine, an amino acid with highly similar properties. This amino acid position is highly conserved in available vertebrate species. In addition, this alteration is predicted to be tolerated by in silico analysis. Since supporting evidence is limited at this time, the clinical significance of this alteration remains unclear.

Literature cited by the submitters: PubMed 27532257 (cited by Labcorp Genetics (formerly Invitae), Labcorp).